The following is an entry in ClinVar:

NM_004960.3(FUS):c.*2988C>T

Gene: FUS (FUS DNA/RNA binding protein; plus strand). Cytogenetic location: 16p11.2.
Variant type: single nucleotide variant.
Coding change: c.*2988C>T on transcript NM_004960.3; 2988 bases downstream of the stop codon, C replaced by T.
Molecular consequence: 3 prime UTR variant (on NM_001170634.1). On other transcripts: non-coding transcript variant (1).
Genome position (GRCh38, 1-based): chr16:31,194,426, C>T. VCF-style: chr16-31194426-C-T. GRCh37 (hg19) VCF-style: chr16-31205747-C-T.
Other names: c.*2988C>T (NM_001170634.1, NM_001170937.1).
Identifiers: ClinVar variation 319047 (VCV000319047.7), dbSNP rs73530301, ClinGen allele CA8024369.

ClinVar aggregate classification (germline): Benign (1 of 4 stars; one submission).

Conditions:
Amyotrophic lateral sclerosis type 6. Also called: FUS-Related Amyotrophic Laterial Sclerosis; AMYOTROPHIC LATERAL SCLEROSIS 6 WITHOUT FRONTOTEMPORAL DEMENTIA; Amyotrophic lateral sclerosis 6, with or without frontotemporal dementia. Identifiers: Orphanet 275872, Orphanet 803, MedGen C2931786, MONDO:0011951, OMIM 608030.

Allele frequency attached by ClinVar (database versions not stated): TOPMed 0.01225; 1000 Genomes Project 0.01498; ExAC 0.00102; gnomAD exomes 0.00254; 1000 Genomes Project 30x 0.01593.
gnomAD v4.1: 2,337 of 506,872 alleles (0.46%); highest among the groups gnomAD compares: African/African-American, 4%; 50 homozygotes.

Submission:

Illumina Laboratory Services, Illumina
Classification: Benign for Amyotrophic lateral sclerosis type 6. Last evaluated: 2018-01-12. Review status: criteria provided, single submitter. Criteria: ICSL Variant Classification Criteria 13 December 2019. Collection method: clinical testing. Allele origin: germline.
Comment: This variant was observed in the ICSL laboratory as part of a predisposition screen in an ostensibly healthy population. It had not been previously curated by ICSL or reported in the Human Gene Mutation Database (HGMD: prior to June 1st, 2018), and was therefore a candidate for classification through an automated scoring system. Utilizing variant allele frequency, disease prevalence and penetrance estimates, and inheritance mode, an automated score was calculated to assess if this variant is too frequent to cause the disease. Based on the score and internal cut-off values, a variant classified as benign is not then subjected to further curation. The score for this variant resulted in a classification of benign for this disease.